The following is an entry in ClinVar:

ClinVar aggregate classification (germline): Uncertain significance (1 of 4 stars; one submission).

Conditions:
Early-infantile DEE. Also called: Early infantile epileptic encephalopathy; Early infantile epileptic encephalopathy with suppression bursts; Ohtahara syndrome. Identifiers: Orphanet 1934, MedGen C0393706, MONDO:0800491.

gnomAD v4.1: 7 of 1,594,878 alleles (0.00044%); highest among the groups gnomAD compares: African/African-American, 0.0027%; no homozygotes.

Submission:

Labcorp Genetics (formerly Invitae), Labcorp
Classification: Uncertain significance for Early-infantile DEE. Last evaluated: 2025-11-27. Review status: criteria provided, single submitter. Criteria: Invitae Variant Classification Sherloc (09022015). Collection method: clinical testing. Allele origin: germline.
Comment: This sequence change falls in intron 11 of the SPTAN1 gene. It does not directly change the encoded amino acid sequence of the SPTAN1 protein. This variant is present in population databases (rs745928422, gnomAD 0.003%). This variant has not been reported in the literature in individuals affected with SPTAN1-related conditions. ClinVar contains an entry for this variant (Variation ID: 3709258). Algorithms developed to predict the effect of sequence changes on RNA splicing suggest that this variant may disrupt the consensus splice site. In summary, the available evidence is currently insufficient to determine the role of this variant in disease. Therefore, it has been classified as a Variant of Uncertain Significance.

NM_001130438.3(SPTAN1):c.1462-16T>C

Gene: SPTAN1 (spectrin alpha, non-erythrocytic 1; plus strand). Cytogenetic location: 9q34.11.
Variant type: single nucleotide variant.
Coding change: c.1462-16T>C on transcript NM_001130438.3 (MANE Select); 16 bases into the intron before coding-DNA position 1462, T replaced by C.
Molecular consequence: intron variant.
Genome position (GRCh38, 1-based): chr9:128,581,766, T>C. VCF-style: chr9-128581766-T-C. GRCh37 (hg19) VCF-style: chr9-131344045-T-C.
Other names: c.1498-16T>C (NM_001375318.1, NM_001375312.2); c.1462-16T>C (NM_001375311.2, NM_001375314.2, NM_001375310.1 and 5 more transcripts).
Identifiers: ClinVar variation 3709258 (VCV003709258.2).